The following is an entry in ClinVar:

NM_004820.5(CYP7B1):c.1157G>T (p.Cys386Phe)

Gene: CYP7B1 (cytochrome P450 family 7 subfamily B member 1; minus strand). Cytogenetic location: 8q12.3.
Variant type: single nucleotide variant.
Coding change: c.1157G>T on transcript NM_004820.5 (MANE Select); coding-DNA position 1157, G replaced by T.
Protein change: p.Cys386Phe; replaces cysteine 386 with phenylalanine.
Molecular consequence: missense variant.
Genome position (GRCh38, 1-based): chr8:64,604,758, C>A on the plus strand (G>T on the coding strand, the complement: CYP7B1 is on the minus strand). VCF-style: chr8-64604758-C-A. GRCh37 (hg19) VCF-style: chr8-65517315-C-A.
Other names: c.1157G>T, p.Cys386Phe (NM_001324112.2); short protein forms C386F.
Identifiers: ClinVar variation 4982198 (VCV004982198.1).

ClinVar aggregate classification (germline): Uncertain significance (1 of 4 stars; one submission).

Conditions:
CYP7B1-related disorder. Also called: CYP7B1-related condition.

gnomAD v4.1: 28 of 1,614,160 alleles (0.0017%); highest among the groups gnomAD compares: South Asian, 0.031%; no homozygotes.

Submission:

PreventionGenetics, part of Exact Sciences
Classification: Uncertain significance for CYP7B1-related condition. Last evaluated: 2025-05-12. Review status: criteria provided, single submitter. Criteria: ACMG Guidelines, 2015. Collection method: clinical testing. Allele origin: germline.
Comment: The CYP7B1 c.1157G>T variant is predicted to result in the amino acid substitution p.Cys386Phe. To our knowledge, this variant has not been reported in the literature. This variant is reported in 0.039% of alleles in individuals of South Asian descent in gnomAD. At this time, the clinical significance of this variant is uncertain due to the absence of conclusive functional and genetic evidence.